The following is an entry in ClinVar:

ClinVar aggregate classification (germline): Benign/Likely benign. Review status: criteria provided, multiple submitters, no conflicts (2 of 4 stars). 3 submissions from 3 submitters: Benign (1); Likely benign (2). Last evaluated 2025-04-17.

Conditions:
Hereditary cancer-predisposing syndrome. Also called: Hereditary neoplastic syndrome; Tumor predisposition; Hereditary Cancer Syndrome; Neoplastic Syndromes, Hereditary. Identifiers: Orphanet 140162, MedGen C0027672, MeSH D009386, MONDO:0015356.
Familial adenomatous polyposis 1 (FAP1). Also called: FAMILIAL ADENOMATOUS POLYPOSIS 1, ATTENUATED; POLYPOSIS, ADENOMATOUS INTESTINAL. Identifiers: MedGen C2713442, MONDO:0021056, OMIM 175100. Disease mechanism: loss of function.

gnomAD v4.1: 15 of 1,613,916 alleles (0.00093%); highest among the groups gnomAD compares: South Asian, 0.0044%; no homozygotes.

Submissions (3):

Labcorp Genetics (formerly Invitae), Labcorp
Classification: Likely benign for Familial adenomatous polyposis 1. Last evaluated: 2025-04-17. Review status: criteria provided, single submitter. Criteria: Invitae Variant Classification Sherloc (09022015). Collection method: clinical testing. Allele origin: germline.

Myriad Genetics, Inc.
Classification: Benign for Familial adenomatous polyposis 1. Last evaluated: 2024-03-26. Review status: criteria provided, single submitter. Criteria: Myriad Autosomal Dominant, Autosomal Recessive and X-Linked Classification Criteria (2023). Collection method: clinical testing. Allele origin: unknown.
Comment: This variant is considered benign. This variant is a silent/synonymous amino acid change and it is not expected to impact splicing.

Ambry Genetics
Classification: Likely benign for Hereditary cancer-predisposing syndrome. Last evaluated: 2016-11-11. Review status: criteria provided, single submitter. Criteria: Ambry Variant Classification Scheme 2023. Collection method: clinical testing. Allele origin: germline.

NM_000038.6(APC):c.4332A>G (p.Gln1444=)

Gene: APC (APC regulator of Wnt signaling pathway; plus strand). Cytogenetic location: 5q22.2.
Variant type: single nucleotide variant.
Coding change: c.4332A>G on transcript NM_000038.6 (MANE Select); coding-DNA position 4332, A replaced by G.
Protein change: p.Gln1444=; no amino-acid change (glutamine 1444 retained).
Molecular consequence: synonymous variant.
Genome position (GRCh38, 1-based): chr5:112,839,926, A>G. VCF-style: chr5-112839926-A-G. GRCh37 (hg19) VCF-style: chr5-112175623-A-G.
Other names: c.4332A>G, p.Gln1444= (NM_001127510.3, NM_001354895.2); c.4278A>G, p.Gln1426= (NM_001127511.3); c.4386A>G, p.Gln1462= (NM_001354896.2); c.4362A>G, p.Gln1454= (NM_001354897.2); c.4257A>G, p.Gln1419= (NM_001354898.2); c.4248A>G, p.Gln1416= (NM_001354899.2); c.4209A>G, p.Gln1403= (NM_001354900.2); c.4155A>G, p.Gln1385= (NM_001354901.2); and 5 more.
Identifiers: ClinVar variation 220326 (VCV000220326.16), dbSNP rs748342378, ClinGen allele CA038632.